The following is an entry in ClinVar:

ClinVar aggregate classification (germline): Uncertain significance. Review status: criteria provided, multiple submitters, no conflicts (2 of 4 stars). 2 submissions from 2 submitters: Uncertain significance (2). Last evaluated 2025-09-14.

Conditions:
Neurofibromatosis, type 1 (NF1). Also called: NEUROFIBROMATOSIS, TYPE I, SOMATIC; Neurofibromatosis, type I; VON RECKLINGHAUSEN DISEASE; Peripheral type neurofibromatosis. Identifiers: Orphanet 636, MedGen C0027831, MONDO:0018975, OMIM 162200. Disease mechanism: loss of function.
Cardiovascular phenotype. Identifiers: MedGen CN230736.
Hereditary cancer-predisposing syndrome. Also called: Tumor predisposition; Neoplastic Syndromes, Hereditary; Hereditary Cancer Syndrome; Hereditary neoplastic syndrome. Identifiers: Orphanet 140162, MedGen C0027672, MeSH D009386, MONDO:0015356.

Submissions (2):

Labcorp Genetics (formerly Invitae), Labcorp
Classification: Uncertain significance for Neurofibromatosis, type 1. Last evaluated: 2025-09-14. Review status: criteria provided, single submitter. Criteria: Invitae Variant Classification Sherloc (09022015). Collection method: clinical testing. Allele origin: germline.
Comment: This sequence change replaces histidine, which is basic and polar, with glutamine, which is neutral and polar, at codon 2794 of the NF1 protein (p.His2794Gln). This variant is not present in population databases (gnomAD no frequency). This variant has not been reported in the literature in individuals affected with NF1-related conditions. ClinVar contains an entry for this variant (Variation ID: 1063241). Invitae Evidence Modeling of protein sequence and biophysical properties (such as structural, functional, and spatial information, amino acid conservation, physicochemical variation, residue mobility, and thermodynamic stability) has been performed for this missense variant. However, the output from this modeling did not meet the statistical confidence thresholds required to predict the impact of this variant on NF1 protein function. In summary, the available evidence is currently insufficient to determine the role of this variant in disease. Therefore, it has been classified as a Variant of Uncertain Significance.

Ambry Genetics
Classification: Uncertain significance for Cardiovascular phenotype; Hereditary cancer-predisposing syndrome. Last evaluated: 2022-08-04. Review status: criteria provided, single submitter. Criteria: Ambry Variant Classification Scheme 2023. Collection method: clinical testing. Allele origin: germline.
Comment: The p.H2794Q variant (also known as c.8382C>A), located in coding exon 57 of the NF1 gene, results from a C to A substitution at nucleotide position 8382. The histidine at codon 2794 is replaced by glutamine, an amino acid with highly similar properties. This amino acid position is conserved. In addition, this alteration is predicted to be tolerated by in silico analysis. Since supporting evidence is limited at this time, the clinical significance of this alteration remains unclear.

NM_001042492.3(NF1):c.8445C>A (p.His2815Gln)

Gene: NF1 (neurofibromin 1; plus strand). Cytogenetic location: 17q11.2.
Variant type: single nucleotide variant.
Coding change: c.8445C>A on transcript NM_001042492.3 (MANE Select); coding-DNA position 8445, C replaced by A.
Protein change: p.His2815Gln; replaces histidine 2815 with glutamine.
Molecular consequence: missense variant.
Genome position (GRCh38, 1-based): chr17:31,374,080, C>A. VCF-style: chr17-31374080-C-A. GRCh37 (hg19) VCF-style: chr17-29701098-C-A.
Other names: c.8382C>A, p.His2794Gln (NM_000267.4); short protein forms H2794Q, H2815Q.
Identifiers: ClinVar variation 1063241 (VCV001063241.7), dbSNP rs1597883082, ClinGen allele CA399205991.